The following is an entry in ClinVar:

NM_000540.3(RYR1):c.5545C>T (p.Leu1849=)

Gene: RYR1 (ryanodine receptor 1; plus strand). Cytogenetic location: 19q13.2.
Variant type: single nucleotide variant.
Coding change: c.5545C>T on transcript NM_000540.3 (MANE Select); coding-DNA position 5545, C replaced by T.
Protein change: p.Leu1849=; no amino-acid change (leucine 1849 retained).
Molecular consequence: synonymous variant.
Genome position (GRCh38, 1-based): chr19:38,486,200, C>T. VCF-style: chr19-38486200-C-T. GRCh37 (hg19) VCF-style: chr19-38976840-C-T.
Other names: c.5545C>T, p.Leu1849= (NM_001042723.2).
Identifiers: ClinVar variation 3071759 (VCV003071759.1), dbSNP rs2514231416, ClinGen allele CA507353602.

ClinVar aggregate classification (germline): Uncertain significance (1 of 4 stars; one submission).

Conditions:
Malignant hyperthermia, susceptibility to, 1 (MHS1). Also called: Anesthesia related hyperthermia; Malignant hyperpyrexia; Fulminating hyperpyrexia; Pharmacogenic myopathy; RYR1-Related Malignant Hyperthermia Susceptibility; Malignant hyperthermia suceptibility 1. Identifiers: Orphanet 423, MedGen C2930980, MONDO:0007783, OMIM 145600.

Submission:

All of Us Research Program, National Institutes of Health
Classification: Uncertain significance for Malignant hyperthermia, susceptibility to, 1. Last evaluated: 2023-06-26. Review status: criteria provided, single submitter. Criteria: ACMG Guidelines, 2015. Collection method: clinical testing. Allele origin: germline. Inheritance: Autosomal dominant inheritance. Observed: 1 variant allele, 1 heterozygote.
Comment: This variant is located in the RYR1 protein. To our knowledge, functional studies have not been reported for this variant. This variant has not been reported in individuals affected with RYR1-related disorders in the literature. This variant has not been identified in the general population by the Genome Aggregation Database (gnomAD). The available evidence is insufficient to determine the role of this variant in disease conclusively. Therefore, this variant is classified as a Variant of Uncertain Significance.

This study involves interpretation of variants in research participants for the purpose of population health screening. Participant phenotype was not available at the time of variant classification. Additional details can be found in publication PMID: 35346344, PMCID: PMC8962531